The following is an entry in ClinVar:

NC_000023.11:g.(?_31965029)_(31968524_?)del

Gene: DMD (dystrophin; minus strand). Cytogenetic location: Xp21.1.
Variant type: Deletion.
Identifiers: ClinVar variation 645373 (VCV000645373.2).

ClinVar aggregate classification (germline): Pathogenic (1 of 4 stars; one submission).

Conditions:
Duchenne muscular dystrophy (DMD). Also called: MUSCULAR DYSTROPHY, PSEUDOHYPERTROPHIC PROGRESSIVE, DUCHENNE TYPE; Duchenne Muscular Dystrophy (DMD). Identifiers: Orphanet 98896, MedGen C0013264, MONDO:0010679, OMIM 310200.

Submission:

Labcorp Genetics (formerly Invitae), Labcorp
Classification: Pathogenic for Duchenne muscular dystrophy. Last evaluated: 2019-12-20. Review status: criteria provided, single submitter. Criteria: Invitae Variant Classification Sherloc (09022015). Collection method: clinical testing. Allele origin: germline.
Comment: This variant is an out-of-frame deletion of the genomic region encompassing exon 45 of the DMD gene. This is expected to create a premature translational stop signal and result in an absent or disrupted protein product. Similar copy number variants have been observed in individuals with Duchenne or Becker muscular dystrophy (PMID: 11257468, 18683213, 25244321, 26081009). Experimental studies have shown that deletion of exon 45 may also disrupt mRNA splicing and cause skipping of exon 44, which results in an in-frame deletion of exons 44-45 (PMID: 9040743, 24871807). For these reasons, this variant has been classified as Pathogenic.

Literature cited by the submitters: PubMed 18683213; PubMed 24871807; PubMed 11257468; PubMed 9040743; PubMed 26081009; PubMed 25244321.